The following is an entry in ClinVar:

NM_080425.4(GNAS):c.2008G>T (p.Asp670Tyr)

Gene: GNAS (GNAS complex locus; plus strand). Cytogenetic location: 20q13.32.
Variant type: single nucleotide variant.
Coding change: c.2008G>T on transcript NM_080425.4 (MANE Plus Clinical); coding-DNA position 2008, G replaced by T.
Protein change: p.Asp670Tyr; replaces aspartic acid 670 with tyrosine.
Molecular consequence: missense variant. On other transcripts: synonymous variant (2), intron variant (3).
Genome position (GRCh38, 1-based): chr20:58,855,273, G>T. VCF-style: chr20-58855273-G-T. GRCh37 (hg19) VCF-style: chr20-57430328-G-T.
Other names: c.1821G>T, p.Ser607= (NM_001077490.3, NM_001309883.1); c.2008G>T, p.Asp670Tyr (NM_001410913.1); c.*42+14387G>T (NM_016592.5); c.43+14387G>T (NM_001410912.1); c.-39+13398G>T (NM_001309861.2); short protein forms D670Y.
Identifiers: ClinVar variation 3346669 (VCV003346669.1).
Genomic context (GRCh38, chr20:58,855,273, plus strand): 5'-AAAGAAGCCCTGGAGAAGCGGGCCCAGAAGCGCGCAGAGAAGAAACGCAGTAAGCTCATC[G>T]ACAAACAACTCCAGGACGAAAAGATGGGCTACATGTGTACGCACCGCCTGCTGCTTCTAG-3'
Protein context (NP_536350.2, residues 660-680): RAEKKRSKLI[Asp670Tyr]KQLQDEKMGY

ClinVar aggregate classification (germline): Uncertain significance (0 of 4 stars; one submission).

Conditions:
GNAS-related disorder. Identifiers: MedGen CN380105.

gnomAD v4.1: 1 of 1,586,482 alleles (0.000063%); highest among the groups gnomAD compares: Non-Finnish European, 0.000086%; no homozygotes.

Submission:

PreventionGenetics, part of Exact Sciences
Classification: Uncertain significance for GNAS-related condition. Last evaluated: 2024-07-11. Review status: no assertion criteria provided. Collection method: clinical testing. Allele origin: germline.
Comment: The GNAS c.2008G>T variant is predicted to result in the amino acid substitution p.Asp670Tyr. To our knowledge, this variant has not been reported in the literature or in a large population database, indicating this variant is rare. At this time, the clinical significance of this variant is uncertain due to the absence of conclusive functional and genetic evidence.